The following is an entry in ClinVar:

NM_021830.5(TWNK):c.1020C>T (p.Pro340=)

Gene: TWNK (twinkle mtDNA helicase; plus strand). Cytogenetic location: 10q24.31.
Variant type: single nucleotide variant.
Coding change: c.1020C>T on transcript NM_021830.5 (MANE Select); coding-DNA position 1020, C replaced by T.
Protein change: p.Pro340=; no amino-acid change (proline 340 retained).
Molecular consequence: synonymous variant. On other transcripts: non-coding transcript variant (4), intron variant (3).
Genome position (GRCh38, 1-based): chr10:100,989,230, C>T. VCF-style: chr10-100989230-C-T. GRCh37 (hg19) VCF-style: chr10-102748987-C-T.
Other names: c.1020C>T, p.Pro340= (NM_001163812.2); c.-119-414C>T (NM_001163814.2, NM_001163813.2); c.-57-476C>T (NM_001368275.1).
Identifiers: ClinVar variation 3251642 (VCV003251642.1), dbSNP rs775807203.

ClinVar aggregate classification (germline): Likely benign (1 of 4 stars; one submission).

Allele frequency attached by ClinVar (database versions not stated): ExAC 0.00001.
gnomAD v4.1: 4 of 1,614,182 alleles (0.00025%); highest among the groups gnomAD compares: East Asian, 0.0067%; no homozygotes.

Submission:

Women's Health and Genetics/Laboratory Corporation of America, LabCorp
Classification: Likely benign. Last evaluated: 2024-04-26. Review status: criteria provided, single submitter. Criteria: LabCorp Variant Classification Summary - May 2015. Collection method: clinical testing. Allele origin: germline.
Comment: Variant summary: TWNK c.1020C>T alters a non-conserved nucleotide resulting in a synonymous change. Consensus agreement among computation tools predict no significant impact on normal splicing. However, these predictions have yet to be confirmed by functional studies. The variant allele was found at a frequency of 8e-06 in 251416 control chromosomes (gnomAD). The available data on variant occurrences in the general population are insufficient to allow any conclusion about variant significance. To our knowledge, no occurrence of c.1020C>T in individuals affected with Infantile Onset Spinocerebellar Ataxia and no experimental evidence demonstrating its impact on protein function have been reported. No submitters have cited clinical-significance assessments for this variant to ClinVar. Based on the evidence outlined above, the variant was classified as likely benign.